The following is an entry in ClinVar:

NM_031443.4(CCM2):c.204+3A>C

Gene: CCM2 (CCM2 scaffold protein; plus strand). Cytogenetic location: 7p13.
Variant type: single nucleotide variant.
Coding change: c.204+3A>C on transcript NM_031443.4 (MANE Select); 3 bases into the intron after coding-DNA position 204, A replaced by C.
Molecular consequence: intron variant.
Genome position (GRCh38, 1-based): chr7:45,038,429, A>C. VCF-style: chr7-45038429-A-C. GRCh37 (hg19) VCF-style: chr7-45078028-A-C.
Other names: c.204+3A>C (NM_001363458.2, NM_001167935.2); c.31-25489A>C (NM_001363459.2, NM_001167934.2); c.267+3A>C (NM_001029835.2).
Identifiers: ClinVar variation 2126404 (VCV002126404.4), dbSNP rs1476040740, ClinGen allele CA2580077189.

ClinVar aggregate classification (germline): Uncertain significance (1 of 4 stars; one submission).

Conditions:
Cerebral cavernous malformation 2. Also called: Familial Cerebral Cavernous Malformation 2. Identifiers: Orphanet 221061, MedGen C1864041, MONDO:0011304, OMIM 603284.

Submission:

Labcorp Genetics (formerly Invitae), Labcorp
Classification: Uncertain significance for Cerebral cavernous malformation 2. Last evaluated: 2022-04-15. Review status: criteria provided, single submitter. Criteria: Invitae Variant Classification Sherloc (09022015). Collection method: clinical testing. Allele origin: germline.
Comment: This variant is not present in population databases (gnomAD no frequency). In summary, the available evidence is currently insufficient to determine the role of this variant in disease. Therefore, it has been classified as a Variant of Uncertain Significance. Variants that disrupt the consensus splice site are a relatively common cause of aberrant splicing (PMID: 17576681, 9536098). Algorithms developed to predict the effect of sequence changes on RNA splicing suggest that this variant may disrupt the consensus splice site. This variant has been observed in individual(s) with cerebral cavernous malformations (Invitae). This sequence change falls in intron 2 of the CCM2 gene. It does not directly change the encoded amino acid sequence of the CCM2 protein. It affects a nucleotide within the consensus splice site.

Literature cited by the submitters: PubMed 17576681; PubMed 9536098.